The following is an entry in ClinVar:

ClinVar aggregate classification (germline): Uncertain significance (1 of 4 stars; one submission).

Conditions:
Inborn genetic diseases. Identifiers: MedGen C0950123, MeSH D030342.

Submission:

Ambry Genetics
Classification: Uncertain significance for Inborn genetic diseases. Last evaluated: 2025-03-22. Review status: criteria provided, single submitter. Criteria: Ambry Variant Classification Scheme 2023. Collection method: clinical testing. Allele origin: germline.
Comment: The p.F275S variant (also known as c.824T>C), located in coding exon 7 of the BUB1B gene, results from a T to C substitution at nucleotide position 824. The phenylalanine at codon 275 is replaced by serine, an amino acid with highly dissimilar properties. This amino acid position is conserved. In addition, the in silico prediction for this alteration is inconclusive. Based on the available evidence, the clinical significance of this variant remains unclear.

NM_001211.6(BUB1B):c.824T>C (p.Phe275Ser)

Gene: BUB1B (BUB1 mitotic checkpoint serine/threonine kinase B; plus strand). Cytogenetic location: 15q15.1.
Variant type: single nucleotide variant.
Coding change: c.824T>C on transcript NM_001211.6 (MANE Select); coding-DNA position 824, T replaced by C.
Protein change: p.Phe275Ser; replaces phenylalanine 275 with serine.
Molecular consequence: missense variant.
Genome position (GRCh38, 1-based): chr15:40,185,237, T>C. VCF-style: chr15-40185237-T-C. GRCh37 (hg19) VCF-style: chr15-40477438-T-C.
Other names: short protein forms F275S.
Identifiers: ClinVar variation 3993691 (VCV003993691.1).